The following is an entry in ClinVar:

NM_000051.4(ATM):c.3280_3281del (p.Ile1093_Asn1094insTer)

Gene: ATM (ATM serine/threonine kinase; plus strand). Cytogenetic location: 11q22.3.
Variant type: Deletion.
Coding change: c.3280_3281del on transcript NM_000051.4 (MANE Select); coding-DNA positions 3280 to 3281, 2 bases deleted (AA; older notation c.3280_3281delAA).
Protein change: p.Ile1093_Asn1094insTer.
Molecular consequence: nonsense.
Genome position (GRCh38, 1-based): chr11:108,272,848-108,272,849, AA deleted. VCF-style (leftmost placement, unchanged base first): chr11-108272847-CAA-C. GRCh37 (hg19) VCF-style: chr11-108143574-CAA-C.
Other names: c.3280_3281del, p.Ile1093_Asn1094insTer (NM_001351834.2).
Identifiers: ClinVar variation 3722906 (VCV003722906.2).

ClinVar aggregate classification (germline): Pathogenic (1 of 4 stars; one submission).

Conditions:
Ataxia-telangiectasia syndrome (AT). Also called: ATAXIA-TELANGIECTASIA, COMPLEMENTATION GROUP A; ATAXIA-TELANGIECTASIA, FRESNO VARIANT; Ataxia-telangiectasia; Ataxia-telangiectasia, complementation group E; Ataxia telangiectasia (A-T); LOUIS-BAR SYNDROME. Identifiers: Orphanet 100, MedGen C0004135, MONDO:0008840, OMIM 208900.

Submission:

Labcorp Genetics (formerly Invitae), Labcorp
Classification: Pathogenic for Ataxia-telangiectasia syndrome. Last evaluated: 2024-12-08. Review status: criteria provided, single submitter. Criteria: Invitae Variant Classification Sherloc (09022015). Collection method: clinical testing. Allele origin: germline.
Comment: This sequence change creates a premature translational stop signal (p.Asn1094*) in the ATM gene. It is expected to result in an absent or disrupted protein product. Loss-of-function variants in ATM are known to be pathogenic (PMID: 23807571, 25614872). This variant is not present in population databases (gnomAD no frequency). This variant has not been reported in the literature in individuals affected with ATM-related conditions. For these reasons, this variant has been classified as Pathogenic.

Literature cited by the submitters: PubMed 23807571; PubMed 25614872.